The following is an entry in ClinVar:

ClinVar aggregate classification (germline): Uncertain significance (1 of 4 stars; one submission).

Allele frequency attached by ClinVar (database versions not stated): gnomAD 0.00001; TOPMed 0.00001.
gnomAD v4.1: 4 of 1,593,506 alleles (0.00025%); highest among the groups gnomAD compares: Non-Finnish European, 0.00034%; no homozygotes.

Submission:

Labcorp Genetics (formerly Invitae), Labcorp
Classification: Uncertain significance. Last evaluated: 2022-04-11. Review status: criteria provided, single submitter. Criteria: Invitae Variant Classification Sherloc (09022015). Collection method: clinical testing. Allele origin: germline.
Comment: This sequence change replaces threonine, which is neutral and polar, with methionine, which is neutral and non-polar, at codon 3 of the FSCN2 protein (p.Thr3Met). The frequency data for this variant in the population databases is considered unreliable, as metrics indicate poor data quality at this position in the gnomAD database. This variant has not been reported in the literature in individuals affected with FSCN2-related conditions. Algorithms developed to predict the effect of missense changes on protein structure and function are either unavailable or do not agree on the potential impact of this missense change (SIFT: "Deleterious"; PolyPhen-2: "Possibly Damaging"; Align-GVGD: "Class C0"). In summary, the available evidence is currently insufficient to determine the role of this variant in disease. Therefore, it has been classified as a Variant of Uncertain Significance.

NM_012418.4(FSCN2):c.8C>T (p.Thr3Met)

Gene: FSCN2 (fascin actin-bundling protein 2, retinal; plus strand). Cytogenetic location: 17q25.3.
Variant type: single nucleotide variant.
Coding change: c.8C>T on transcript NM_012418.4 (MANE Select); coding-DNA position 8, C replaced by T.
Protein change: p.Thr3Met; replaces threonine 3 with methionine.
Molecular consequence: missense variant.
Genome position (GRCh38, 1-based): chr17:81,528,539, C>T. VCF-style: chr17-81528539-C-T. GRCh37 (hg19) VCF-style: chr17-79495565-C-T.
Other names: c.8C>T, p.Thr3Met (NM_001077182.3); short protein forms T3M.
Identifiers: ClinVar variation 1910103 (VCV001910103.5), dbSNP rs1348139370, ClinGen allele CA401469226.
Genomic context (GRCh38, chr17:81,528,539, plus strand): 5'-GAGCACTCAGAGGGCGCATCCCAGGCCCCTCCGGGGACCCGGCCAGCCTGAAGATGCCGA[C>T]GAACGGCCTGCACCAGGTGCTGAAGATCCAGTTTGGCCTCGTCAACGACACTGACCGCTA-3'
Protein context (NP_036550.1, residues 1-13): MP[Thr3Met]NGLHQVLKIQ